The following is an entry in ClinVar:

ClinVar aggregate classification (germline): Uncertain significance (1 of 4 stars; one submission).

Conditions:
Generalized epilepsy with febrile seizures plus, type 7 (GEFSP7). Also called: GEFS+, TYPE 7. Identifiers: Orphanet 36387, MedGen C2751778, MONDO:0013470, OMIM 613863.
Neuropathy, hereditary sensory and autonomic, type 2A (HSAN2A). Also called: WNK1-Related HSAN2 (HSAN2A); HSAN IIA; NEUROPATHY, CONGENITAL SENSORY; MORVAN DISEASE; NEUROPATHY, HEREDITARY SENSORY RADICULAR, AUTOSOMAL RECESSIVE; NEUROPATHY, HEREDITARY SENSORY, TYPE IIA. Identifiers: Orphanet 970, MedGen C2752089, MONDO:0024309, OMIM 201300.

Allele frequency attached by ClinVar (database versions not stated): gnomAD 0.00001; gnomAD exomes 0.00001; TOPMed 0.00002.
gnomAD v4.1: 16 of 1,613,002 alleles (0.00099%); highest among the groups gnomAD compares: Non-Finnish European, 0.0012%; no homozygotes.

Submission:

Labcorp Genetics (formerly Invitae), Labcorp
Classification: Uncertain significance for Neuropathy, hereditary sensory and autonomic, type 2A; Generalized epilepsy with febrile seizures plus, type 7. Last evaluated: 2024-10-16. Review status: criteria provided, single submitter. Criteria: Invitae Variant Classification Sherloc (09022015). Collection method: clinical testing. Allele origin: germline.
Comment: This sequence change replaces valine, which is neutral and non-polar, with methionine, which is neutral and non-polar, at codon 817 of the SCN9A protein (p.Val817Met). This variant is present in population databases (no rsID available, gnomAD 0.002%). This variant has not been reported in the literature in individuals affected with SCN9A-related conditions. ClinVar contains an entry for this variant (Variation ID: 1370493). Invitae Evidence Modeling of protein sequence and biophysical properties (such as structural, functional, and spatial information, amino acid conservation, physicochemical variation, residue mobility, and thermodynamic stability) indicates that this missense variant is not expected to disrupt SCN9A protein function with a negative predictive value of 95%. In summary, the available evidence is currently insufficient to determine the role of this variant in disease. Therefore, it has been classified as a Variant of Uncertain Significance.

NM_001365536.1(SCN9A):c.2482G>A (p.Val828Met)

Genes: SCN9A (sodium voltage-gated channel alpha subunit 9; minus strand), SCN1A-AS1 (SCN1A and SCN9A antisense RNA 1; plus strand). Cytogenetic location: 2q24.3.
Variant type: single nucleotide variant.
Coding change: c.2482G>A on transcript NM_001365536.1 (MANE Select); coding-DNA position 2482, G replaced by A.
Protein change: p.Val828Met; replaces valine 828 with methionine.
Molecular consequence: missense variant.
Genome position (GRCh38, 1-based): chr2:166,278,175, C>T on the plus strand (G>A on the coding strand, the complement: SCN9A is on the minus strand). VCF-style: chr2-166278175-C-T. GRCh37 (hg19) VCF-style: chr2-167134685-C-T.
Other names: c.2449G>A, p.Val817Met (NM_002977.4); short protein forms V828M, V817M.
Identifiers: ClinVar variation 1370493 (VCV001370493.8), dbSNP rs1281878329, ClinGen allele CA349078238.